The following is an entry in ClinVar:

NM_001385641.1(SAMD11):c.1004G>T (p.Arg335Leu)

Gene: SAMD11 (sterile alpha motif domain containing 11; plus strand). Cytogenetic location: 1p36.33.
Variant type: single nucleotide variant.
Coding change: c.1004G>T on transcript NM_001385641.1 (MANE Select); coding-DNA position 1004, G replaced by T.
Protein change: p.Arg335Leu; replaces arginine 335 with leucine.
Molecular consequence: missense variant.
Genome position (GRCh38, 1-based): chr1:939,076, G>T. VCF-style: chr1-939076-G-T. GRCh37 (hg19) VCF-style: chr1-874456-G-T.
Other names: c.1004G>T, p.Arg335Leu (NM_001385640.1); c.467G>T, p.Arg156Leu (NM_152486.4); short protein forms R156L, R335L.
Identifiers: ClinVar variation 855371 (VCV000855371.7), dbSNP rs149677938, ClinGen allele CA502638.

ClinVar aggregate classification (germline): Uncertain significance (1 of 4 stars; one submission).

Allele frequency attached by ClinVar (database versions not stated): TOPMed 0.00002.
gnomAD v4.1: 15 of 1,605,944 alleles (0.00093%); highest among the groups gnomAD compares: Non-Finnish European, 0.0013%; no homozygotes.

Submission:

Labcorp Genetics (formerly Invitae), Labcorp
Classification: Uncertain significance. Last evaluated: 2022-06-01. Review status: criteria provided, single submitter. Criteria: Invitae Variant Classification Sherloc (09022015). Collection method: clinical testing. Allele origin: germline.
Comment: This sequence change replaces arginine, which is basic and polar, with leucine, which is neutral and non-polar, at codon 156 of the SAMD11 protein (p.Arg156Leu). The frequency data for this variant in the population databases is considered unreliable, as metrics indicate poor data quality at this position in the gnomAD database. This variant has not been reported in the literature in individuals affected with SAMD11-related conditions. ClinVar contains an entry for this variant (Variation ID: 855371). Algorithms developed to predict the effect of missense changes on protein structure and function (SIFT, PolyPhen-2, Align-GVGD) all suggest that this variant is likely to be tolerated. In summary, the available evidence is currently insufficient to determine the role of this variant in disease. Therefore, it has been classified as a Variant of Uncertain Significance.